The following is an entry in ClinVar:

NM_173076.3(ABCA12):c.2725G>A (p.Asp909Asn)

Gene: ABCA12 (ATP binding cassette subfamily A member 12; minus strand). Cytogenetic location: 2q35.
Variant type: single nucleotide variant.
Coding change: c.2725G>A on transcript NM_173076.3 (MANE Select); coding-DNA position 2725, G replaced by A.
Protein change: p.Asp909Asn; replaces aspartic acid 909 with asparagine.
Molecular consequence: missense variant. On other transcripts: non-coding transcript variant (1).
Genome position (GRCh38, 1-based): chr2:215,001,696, C>T on the plus strand (G>A on the coding strand, the complement: ABCA12 is on the minus strand). VCF-style: chr2-215001696-C-T. GRCh37 (hg19) VCF-style: chr2-215866420-C-T.
Other names: c.1771G>A, p.Asp591Asn (NM_015657.4); short protein forms D591N, D909N.
Identifiers: ClinVar variation 4697071 (VCV004697071.1).

ClinVar aggregate classification (germline): Uncertain significance (1 of 4 stars; one submission).

gnomAD v4.1: 47 of 1,613,178 alleles (0.0029%); highest among the groups gnomAD compares: South Asian, 0.012%; no homozygotes.

Submission:

Labcorp Genetics (formerly Invitae), Labcorp
Classification: Uncertain significance. Last evaluated: 2025-08-12. Review status: criteria provided, single submitter. Criteria: Invitae Variant Classification Sherloc (09022015). Collection method: clinical testing. Allele origin: germline.
Comment: This sequence change replaces aspartic acid, which is acidic and polar, with asparagine, which is neutral and polar, at codon 909 of the ABCA12 protein (p.Asp909Asn). This variant is present in population databases (rs767059932, gnomAD 0.03%). This variant has not been reported in the literature in individuals affected with ABCA12-related conditions. Invitae Evidence Modeling of protein sequence and biophysical properties (such as structural, functional, and spatial information, amino acid conservation, physicochemical variation, residue mobility, and thermodynamic stability) indicates that this missense variant is not expected to disrupt ABCA12 protein function with a negative predictive value of 80%. In summary, the available evidence is currently insufficient to determine the role of this variant in disease. Therefore, it has been classified as a Variant of Uncertain Significance.